The following is an entry in ClinVar:

ClinVar aggregate classification (germline): Benign. Review status: criteria provided, single submitter (1 of 4 stars). 2 submissions from 2 submitters: Benign (1). 1 of the submissions does not count toward it. Last evaluated 2019-01-03.

Conditions:
DMXL1-related disorder. Also called: DMXL1-related condition.

Allele frequency attached by ClinVar (database versions not stated): 1000 Genomes Project 0.01318; gnomAD 0.01387 and 0.01501; 1000 Genomes Project 30x 0.01483; TOPMed 0.01541; ESP Exome Variant Server 0.01769.
gnomAD v4.1: 4,221 of 1,613,380 alleles (0.26%); highest among the groups gnomAD compares: African/African-American, 4.8%; 84 homozygotes.

Submissions (2):

Labcorp Genetics (formerly Invitae), Labcorp
Classification: Benign. Last evaluated: 2019-01-03. Review status: criteria provided, single submitter. Criteria: Invitae Variant Classification Sherloc (09022015). Collection method: clinical testing. Allele origin: germline.

PreventionGenetics, part of Exact Sciences
Classification: Benign for DMXL1-related condition. Last evaluated: 2019-02-19. Review status: no assertion criteria provided. Collection method: clinical testing. Allele origin: germline. Not counted in ClinVar's aggregate classification.
Comment: This variant is classified as benign based on ACMG/AMP sequence variant interpretation guidelines (Richards et al. 2015 PMID: 25741868, with internal and published modifications).

NM_001290321.3(DMXL1):c.1161C>T (p.Thr387=)

Gene: DMXL1 (Dmx like 1; plus strand). Cytogenetic location: 5q23.1.
Variant type: single nucleotide variant.
Coding change: c.1161C>T on transcript NM_001290321.3 (MANE Select); coding-DNA position 1161, C replaced by T.
Protein change: p.Thr387=; no amino-acid change (threonine 387 retained).
Molecular consequence: synonymous variant. On other transcripts: non-coding transcript variant (3).
Genome position (GRCh38, 1-based): chr5:119,129,269, C>T. VCF-style: chr5-119129269-C-T. GRCh37 (hg19) VCF-style: chr5-118464964-C-T.
Other names: c.1161C>T, p.Thr387= (NM_001349239.2, NM_001349240.2, NM_001387933.1 and 4 more transcripts); c.1161C>T (NM_001290321.2).
Identifiers: ClinVar variation 780561 (VCV000780561.5), dbSNP rs79928338, ClinGen allele CA3379392.